The following is an entry in ClinVar:

ClinVar aggregate classification (germline): Likely benign. Review status: criteria provided, multiple submitters, no conflicts (2 of 4 stars). 6 submissions from 6 submitters: Likely benign (6). Last evaluated 2025-05-01.

Conditions:
Cardiac arrhythmia. Also called: Cardiac rhythm disease; Arrhythmia. Identifiers: MedGen C0003811, MONDO:0007263, HP:0011675.
Long QT syndrome (LQTS). Identifiers: MedGen C0023976, MeSH D008133, MONDO:0002442. Disease mechanism: loss of function. Inheritance: Various modes of inheritance.
Cardiovascular phenotype. Identifiers: MedGen CN230736.

Allele frequency attached by ClinVar (database versions not stated): gnomAD exomes 0.00001 and 0.00003; ExAC 0.00002; TOPMed 0.00002; gnomAD 0.00003.
gnomAD v4.1: 43 of 1,613,942 alleles (0.0027%); highest among the groups gnomAD compares: Non-Finnish European, 0.0032%; no homozygotes.

Submissions (6):

CeGaT Center for Human Genetics Tuebingen
Classification: Likely benign. Last evaluated: 2025-05-01. Review status: criteria provided, single submitter. Criteria: CeGaT Center For Human Genetics Tuebingen Variant Classification Criteria Version 2. Collection method: clinical testing. Allele origin: germline. Affected: yes. Observed: 1 variant allele.
Comment: KCNQ1: BP4, BP7

Ambry Genetics
Classification: Likely benign for Cardiovascular phenotype. Last evaluated: 2024-09-20. Review status: criteria provided, single submitter. Criteria: Ambry Variant Classification Scheme 2023. Collection method: clinical testing. Allele origin: germline.

Labcorp Genetics (formerly Invitae), Labcorp
Classification: Likely benign for Long QT syndrome. Last evaluated: 2024-09-12. Review status: criteria provided, single submitter. Criteria: Invitae Variant Classification Sherloc (09022015). Collection method: clinical testing. Allele origin: germline.

Blueprint Genetics
Classification: Likely benign. Last evaluated: 2024-07-24. Review status: criteria provided, single submitter. Criteria: ACMG Guidelines, 2015. Collection method: clinical testing. Allele origin: germline.

All of Us Research Program, National Institutes of Health
Classification: Likely benign for Long QT syndrome. Last evaluated: 2023-11-20. Review status: criteria provided, single submitter. Criteria: ACMG Guidelines, 2015. Collection method: clinical testing. Allele origin: germline. Inheritance: Autosomal dominant inheritance. Observed: 3 variant alleles, 3 heterozygotes.
Comment: This study involves interpretation of variants in research participants for the purpose of population health screening. Participant phenotype was not available at the time of variant classification. Additional details can be found in publication PMID: 35346344, PMCID: PMC8962531

Color Diagnostics, LLC DBA Color Health
Classification: Likely benign for Arrhythmia. Last evaluated: 2018-11-25. Review status: criteria provided, single submitter. Criteria: ACMG Guidelines, 2015. Collection method: clinical testing. Allele origin: germline.

NM_000218.3(KCNQ1):c.966G>A (p.Thr322=)

Gene: KCNQ1 (potassium voltage-gated channel subfamily Q member 1; plus strand). Cytogenetic location: 11p15.5.
Variant type: single nucleotide variant.
Coding change: c.966G>A on transcript NM_000218.3 (MANE Select); coding-DNA position 966, G replaced by A.
Protein change: p.Thr322=; no amino-acid change (threonine 322 retained).
Molecular consequence: synonymous variant.
Genome position (GRCh38, 1-based): chr11:2,583,479, G>A. VCF-style: chr11-2583479-G-A. GRCh37 (hg19) VCF-style: chr11-2604709-G-A.
Other names: c.966G>A, p.Thr322= (NM_001406836.1); c.696G>A, p.Thr232= (NM_001406837.1); c.522G>A, p.Thr174= (NM_001406838.1); c.585G>A, p.Thr195= (NM_181798.2).
Identifiers: ClinVar variation 924747 (VCV000924747.25), dbSNP rs777450662, ClinGen allele CA041835.
Genomic context (GRCh38, chr11:2,583,479, plus strand): 5'-GTCCCTCTCCCTGCAGGTCACAGTCACCACCATCGGCTATGGGGACAAGGTGCCCCAGAC[G>A]TGGGTCGGGAAGACCATCGCCTCCTGCTTCTCTGTCTTTGCCATCTCCTTCTTTGCGCTC-3'
Protein context (NP_000209.2, residues 312-332): TIGYGDKVPQ[Thr322=]WVGKTIASCF